The following is an entry in ClinVar:

NM_001085411.3(NADK2):c.1A>G (p.Met1Val)

Genes: NADK2 (NAD kinase 2, mitochondrial; minus strand), LOC129993801 (ATAC-STARR-seq lymphoblastoid silent region 15972; plus strand). Cytogenetic location: 5p13.2.
Variant type: single nucleotide variant.
Coding change: c.1A>G on transcript NM_001085411.3 (MANE Select); coding-DNA position 1, A replaced by G.
Protein change: p.Met1Val; changes the start codon (methionine 1).
Molecular consequence: missense variant, initiator codon variant. On other transcripts: intron variant (2).
Genome position (GRCh38, 1-based): chr5:36,241,798, T>C on the plus strand (A>G on the coding strand, the complement: NADK2 is on the minus strand). VCF-style: chr5-36241798-T-C. GRCh37 (hg19) VCF-style: chr5-36241900-T-C.
Other names: c.-190+298A>G (NM_153013.5, NM_001287341.2); short protein forms M1V.
Identifiers: ClinVar variation 453290 (VCV000453290.9), dbSNP rs1277388010, ClinGen allele CA359448288.
Genomic context (GRCh38, chr5:36,241,798, plus strand): 5'-CCGCCCGGCCGCCCGCCACGCGACAACAGCTGCCCAGCAAGAAGCCTCGGTAGCAAGTCA[T>C]CGTGGGCCGGGCCGCGGCCGCGGGCTTGGGCTCGGGCCCCTTGCCTCAGCTCCCTACCGC-3'
Protein context (NP_001078880.1, residues 1-11): [Met1Val]TCYRGFLLGS

ClinVar aggregate classification (germline): Uncertain significance. Review status: criteria provided, multiple submitters, no conflicts (2 of 4 stars). 3 submissions from 3 submitters: Uncertain significance (2). 1 of the submissions does not count toward it. Last evaluated 2025-09-18.

Conditions:
Progressive encephalopathy with leukodystrophy due to DECR deficiency. Identifiers: Orphanet 431361, MedGen C1857252, MONDO:0014464, OMIM 616034.

Allele frequency attached by ClinVar (database versions not stated): gnomAD exomes 0.00001 and 0.00003; gnomAD 0.00002; TOPMed 0.00004.

Submissions (3):

Labcorp Genetics (formerly Invitae), Labcorp
Classification: Uncertain significance for Progressive encephalopathy with leukodystrophy due to DECR deficiency. Last evaluated: 2025-09-18. Review status: criteria provided, single submitter. Criteria: Invitae Variant Classification Sherloc (09022015). Collection method: clinical testing. Allele origin: germline.
Comment: This sequence change affects the initiator codon of the NADK2 mRNA. This change may impact translation initiation or efficiency. The next in-frame methionine is located at codon 164. The frequency data for this variant in the population databases is considered unreliable, as metrics indicate poor data quality at this position in the gnomAD database. Disruption of the initiator codon has been observed in individual(s) with clinical features of 2,4-dienoyl CoA reductase 1 deficiency (PMID: 29388319). ClinVar contains an entry for this variant (Variation ID: 453290). Experimental studies and prediction algorithms are not available or were not evaluated, and the functional significance of this variant is currently unknown. In summary, the available evidence is currently insufficient to determine the role of this variant in disease. Therefore, it has been classified as a Variant of Uncertain Significance.

Undiagnosed Diseases Network, NIH
Classification: Uncertain significance for Progressive encephalopathy with leukodystrophy due to DECR deficiency. Last evaluated: 2016-03-17. Review status: criteria provided, single submitter. Criteria: ACMG Guidelines, 2015. Collection method: clinical testing. Allele origin: inherited. Affected: yes. Observed: 1 variant allele, 1 homozygote. Study: Undiagnosed Diseases Network (NIH), UDN.

OMIM
Classification: Pathogenic for 2,4-DIENOYL-CoA REDUCTASE DEFICIENCY, MILD. Last evaluated: 2020-03-31. Review status: no assertion criteria provided. Collection method: literature only. Allele origin: germline. Not counted in ClinVar's aggregate classification.

Literature cited by the submitters: PubMed 29388319 (cited by 3 submitters).